The following is an entry in ClinVar:

NM_000057.4(BLM):c.1421T>C (p.Leu474Pro)

Gene: BLM (BLM RecQ like helicase; plus strand). Cytogenetic location: 15q26.1.
Variant type: single nucleotide variant.
Coding change: c.1421T>C on transcript NM_000057.4 (MANE Select); coding-DNA position 1421, T replaced by C.
Protein change: p.Leu474Pro; replaces leucine 474 with proline.
Molecular consequence: missense variant.
Genome position (GRCh38, 1-based): chr15:90,760,794, T>C. VCF-style: chr15-90760794-T-C. GRCh37 (hg19) VCF-style: chr15-91304024-T-C.
Other names: c.1421T>C, p.Leu474Pro (NM_001287246.2, NM_001287247.2); c.296T>C, p.Leu99Pro (NM_001287248.2); short protein forms L474P, L99P.
Identifiers: ClinVar variation 2012072 (VCV002012072.4), dbSNP rs2505425445, ClinGen allele CA393843022.

ClinVar aggregate classification (germline): Uncertain significance (1 of 4 stars; one submission).

Conditions:
Bloom syndrome (BLM). Also called: Bloom-Torre-Machacek syndrome. Identifiers: Orphanet 125, MedGen C0005859, MONDO:0008876, OMIM 210900.

Allele frequency attached by ClinVar (database versions not stated): gnomAD exomes below 0.00001.
gnomAD v4.1: 1 of 1,614,004 alleles (0.000062%); highest among the groups gnomAD compares: African/African-American, 0.0013%; no homozygotes.

Submission:

Labcorp Genetics (formerly Invitae), Labcorp
Classification: Uncertain significance for Bloom syndrome. Last evaluated: 2022-06-29. Review status: criteria provided, single submitter. Criteria: Invitae Variant Classification Sherloc (09022015). Collection method: clinical testing. Allele origin: germline.
Comment: In summary, the available evidence is currently insufficient to determine the role of this variant in disease. Therefore, it has been classified as a Variant of Uncertain Significance. Algorithms developed to predict the effect of missense changes on protein structure and function output the following: SIFT: "Tolerated"; PolyPhen-2: "Benign"; Align-GVGD: "Class C0". The proline amino acid residue is found in multiple mammalian species, which suggests that this missense change does not adversely affect protein function. This variant has not been reported in the literature in individuals affected with BLM-related conditions. This variant is not present in population databases (gnomAD no frequency). This sequence change replaces leucine, which is neutral and non-polar, with proline, which is neutral and non-polar, at codon 474 of the BLM protein (p.Leu474Pro).